The following is an entry in ClinVar:

NM_000165.5(GJA1):c.981C>G (p.Ile327Met)

Gene: GJA1 (gap junction protein alpha 1; plus strand). Cytogenetic location: 6q22.31.
Variant type: single nucleotide variant.
Coding change: c.981C>G on transcript NM_000165.5 (MANE Select); coding-DNA position 981, C replaced by G.
Protein change: p.Ile327Met; replaces isoleucine 327 with methionine.
Molecular consequence: missense variant.
Genome position (GRCh38, 1-based): chr6:121,447,828, C>G. VCF-style: chr6-121447828-C-G. GRCh37 (hg19) VCF-style: chr6-121768974-C-G.
Other names: c.981C>G (NM_000165.3); short protein forms I327M.
Identifiers: ClinVar variation 2045241 (VCV002045241.4), dbSNP rs778383309, ClinGen allele CA3981799.

ClinVar aggregate classification (germline): Uncertain significance. Review status: criteria provided, multiple submitters, no conflicts (2 of 4 stars). 2 submissions from 2 submitters: Uncertain significance (2). Last evaluated 2024-11-12.

Conditions:
Oculodentodigital dysplasia, autosomal recessive. Also called: OCULODENTOOSSEOUS DYSPLASIA, AUTOSOMAL RECESSIVE; ODDD, AUTOSOMAL RECESSIVE; ODOD, AUTOSOMAL RECESSIVE. Identifiers: Orphanet 2710, MedGen C2749477, MONDO:0009768, OMIM 257850.

Allele frequency attached by ClinVar (database versions not stated): TOPMed 0.00001.
gnomAD v4.1: 62 of 1,613,780 alleles (0.0038%); highest among the groups gnomAD compares: Non-Finnish European, 0.0047%; no homozygotes.

Submissions (2):

GeneDx
Classification: Uncertain significance. Last evaluated: 2024-11-12. Review status: criteria provided, single submitter. Criteria: GeneDx Variant Classification Process June 2021. Collection method: clinical testing. Allele origin: germline. Affected: yes.
Comment: In silico analysis indicates that this missense variant does not alter protein structure/function; Has not been previously published as pathogenic or benign in association with a GJA1-related disorder to our knowledge; This variant is associated with the following publications: (PMID: 35942675)

Labcorp Genetics (formerly Invitae), Labcorp
Classification: Uncertain significance for Oculodentodigital dysplasia, autosomal recessive. Last evaluated: 2022-01-25. Review status: criteria provided, single submitter. Criteria: Invitae Variant Classification Sherloc (09022015). Collection method: clinical testing. Allele origin: germline.
Comment: This sequence change replaces isoleucine, which is neutral and non-polar, with methionine, which is neutral and non-polar, at codon 327 of the GJA1 protein (p.Ile327Met). This variant is present in population databases (rs778383309, gnomAD 0.004%). This variant has not been reported in the literature in individuals affected with GJA1-related conditions. Algorithms developed to predict the effect of missense changes on protein structure and function are either unavailable or do not agree on the potential impact of this missense change (SIFT: "Deleterious"; PolyPhen-2: "Benign"; Align-GVGD: "Class C0"). In summary, the available evidence is currently insufficient to determine the role of this variant in disease. Therefore, it has been classified as a Variant of Uncertain Significance.